The following is an entry in ClinVar:

ClinVar aggregate classification (germline): Uncertain significance. Review status: criteria provided, multiple submitters, no conflicts (2 of 4 stars). 3 submissions from 3 submitters: Uncertain significance (3). Last evaluated 2025-05-01.

Conditions:
Hyperkalemic periodic paralysis. Also called: Familial hyperkalemic periodic paralysis; Gamstorp disease. Identifiers: Orphanet 682, MedGen C0238357, MONDO:0008224, OMIM 170500, HP:0007215.

gnomAD v4.1: 12 of 1,613,742 alleles (0.00074%); highest among the groups gnomAD compares: South Asian, 0.0022%; no homozygotes.

Submissions (3):

Labcorp Genetics (formerly Invitae), Labcorp
Classification: Uncertain significance for Hyperkalemic periodic paralysis. Last evaluated: 2025-05-01. Review status: criteria provided, single submitter. Criteria: Invitae Variant Classification Sherloc (09022015). Collection method: clinical testing. Allele origin: germline.
Comment: This sequence change replaces valine, which is neutral and non-polar, with methionine, which is neutral and non-polar, at codon 1644 of the SCN4A protein (p.Val1644Met). This variant is present in population databases (rs775486265, gnomAD 0.002%). This variant has not been reported in the literature in individuals affected with SCN4A-related conditions. ClinVar contains an entry for this variant (Variation ID: 543796). Invitae Evidence Modeling of protein sequence and biophysical properties (such as structural, functional, and spatial information, amino acid conservation, physicochemical variation, residue mobility, and thermodynamic stability) indicates that this missense variant is not expected to disrupt SCN4A protein function with a negative predictive value of 95%. In summary, the available evidence is currently insufficient to determine the role of this variant in disease. Therefore, it has been classified as a Variant of Uncertain Significance.

Blueprint Genetics
Classification: Uncertain significance. Last evaluated: 2024-01-25. Review status: criteria provided, single submitter. Criteria: ACMG Guidelines, 2015. Collection method: clinical testing. Allele origin: germline.

Laboratorio de Genetica e Diagnostico Molecular, Hospital Israelita Albert Einstein
Classification: Uncertain significance. Last evaluated: 2020-12-07. Review status: criteria provided, single submitter. Criteria: ACMG Guidelines, 2015. Collection method: clinical testing. Allele origin: germline. Affected: yes.
Comment: ACMG classification criteria: PM2

NM_000334.4(SCN4A):c.4930G>A (p.Val1644Met)

Genes: GH-LCR (growth hormone locus control region; plus strand), SCN4A (sodium voltage-gated channel alpha subunit 4; minus strand). Cytogenetic location: 17q23.3.
Variant type: single nucleotide variant.
Coding change: c.4930G>A on transcript NM_000334.4 (MANE Select); coding-DNA position 4930, G replaced by A.
Protein change: p.Val1644Met; replaces valine 1644 with methionine.
Molecular consequence: missense variant.
Genome position (GRCh38, 1-based): chr17:63,941,352, C>T on the plus strand (G>A on the coding strand, the complement: SCN4A is on the minus strand). VCF-style: chr17-63941352-C-T. GRCh37 (hg19) VCF-style: chr17-62018712-C-T.
Other names: short protein forms V1644M.
Identifiers: ClinVar variation 543796 (VCV000543796.12), dbSNP rs775486265, ClinGen allele CA8708872.